The following is an entry in ClinVar:

ClinVar aggregate classification (germline): Uncertain significance. Review status: criteria provided, multiple submitters, no conflicts (2 of 4 stars). 3 submissions from 3 submitters: Uncertain significance (3). Last evaluated 2025-05-02.

Conditions:
Hereditary cancer-predisposing syndrome. Also called: Hereditary Cancer Syndrome; Neoplastic Syndromes, Hereditary; Hereditary neoplastic syndrome; Tumor predisposition. Identifiers: Orphanet 140162, MedGen C0027672, MeSH D009386, MONDO:0015356.
Melanoma, cutaneous malignant, susceptibility to, 1 (CMM1). Also called: DYSPLASTIC NEVUS SYNDROME, HEREDITARY; FAMILIAL ATYPICAL MOLE-MALIGNANT MELANOMA SYNDROME; MELANOMA, MALIGNANT; B-K MOLE SYNDROME. Identifiers: Orphanet 618, MedGen C1835047, MONDO:0007963, OMIM 155600.
Peutz-Jeghers syndrome (PJS). Also called: Peutz-Jeghers polyposis; Periorificial lentiginosis syndrome; POLYPOSIS, HAMARTOMATOUS INTESTINAL; POLYPS-AND-SPOTS SYNDROME. Identifiers: Orphanet 2869, MedGen C0031269, MeSH D010580, MONDO:0008280, OMIM 175200.

Allele frequency attached by ClinVar (database versions not stated): gnomAD 0.00001; TOPMed 0.00001.
gnomAD v4.1: 6 of 1,560,936 alleles (0.00038%); highest among the groups gnomAD compares: Non-Finnish European, 0.00052%; no homozygotes.

Submissions (3):

Ambry Genetics
Classification: Uncertain significance for Hereditary cancer-predisposing syndrome. Last evaluated: 2025-05-02. Review status: criteria provided, single submitter. Criteria: Ambry Variant Classification Scheme 2023. Collection method: clinical testing. Allele origin: germline.
Comment: The p.S421N variant (also known as c.1262G>A), located in coding exon 9 of the STK11 gene, results from a G to A substitution at nucleotide position 1262. The serine at codon 421 is replaced by asparagine, an amino acid with highly similar properties. This amino acid position is not well conserved in available vertebrate species. In addition, this alteration is predicted to be tolerated by in silico analysis. Since supporting evidence is limited at this time, the clinical significance of this alteration remains unclear.

All of Us Research Program, National Institutes of Health
Classification: Uncertain significance for Peutz-Jeghers syndrome. Last evaluated: 2024-09-23. Review status: criteria provided, single submitter. Criteria: ACMG Guidelines, 2015. Collection method: clinical testing. Allele origin: germline. Inheritance: Autosomal dominant inheritance. Observed: 3 variant alleles, 3 heterozygotes.
Comment: This missense variant replaces serine with asparagine at codon 421 of the STK11 protein. Computational prediction suggests that this variant may not impact protein structure and function (internally defined REVEL score threshold <= 0.5, PMID: 27666373). To our knowledge, functional studies have not been reported for this variant. This variant has not been reported in individuals affected with STK11-related disorders in the literature. This variant has not been identified in the general population by the Genome Aggregation Database (gnomAD). The available evidence is insufficient to determine the role of this variant in disease conclusively. Therefore, this variant is classified as a Variant of Uncertain Significance.

This study involves interpretation of variants in research participants for the purpose of population health screening. Participant phenotype was not available at the time of variant classification. Additional details can be found in publication PMID: 35346344, PMCID: PMC8962531

Baylor Genetics
Classification: Uncertain significance for Melanoma, cutaneous malignant, susceptibility to, 1. Last evaluated: 2023-06-16. Review status: criteria provided, single submitter. Criteria: ACMG Guidelines, 2015. Collection method: clinical testing. Allele origin: unknown.

NM_000455.5(STK11):c.1262G>A (p.Ser421Asn)

Gene: STK11 (serine/threonine kinase 11; plus strand). Cytogenetic location: 19p13.3.
Variant type: single nucleotide variant.
Coding change: c.1262G>A on transcript NM_000455.5 (MANE Select); coding-DNA position 1262, G replaced by A.
Protein change: p.Ser421Asn; replaces serine 421 with asparagine.
Molecular consequence: missense variant.
Genome position (GRCh38, 1-based): chr19:1,226,607, G>A. VCF-style: chr19-1226607-G-A. GRCh37 (hg19) VCF-style: chr19-1226606-G-A.
Other names: short protein forms S421N.
Identifiers: ClinVar variation 818742 (VCV000818742.8), dbSNP rs1253803683, ClinGen allele CA402954099.